The following is an entry in ClinVar:

ClinVar aggregate classification (germline): Likely pathogenic (1 of 4 stars; one submission).

Submission:

Labcorp Genetics (formerly Invitae), Labcorp
Classification: Likely pathogenic. Last evaluated: 2024-10-20. Review status: criteria provided, single submitter. Criteria: Invitae Variant Classification Sherloc (09022015). Collection method: clinical testing. Allele origin: germline.
Comment: This sequence change affects a donor splice site in intron 10 of the CEP250 gene. It is expected to disrupt RNA splicing. Variants that disrupt the donor or acceptor splice site typically lead to a loss of protein function (PMID: 16199547), and loss-of-function variants in CEP250 are known to be pathogenic (PMID: 24780881, 29718797). This variant is not present in population databases (gnomAD no frequency). This variant has not been reported in the literature in individuals affected with CEP250-related conditions. Algorithms developed to predict the effect of sequence changes on RNA splicing suggest that this variant may disrupt the consensus splice site. In summary, the currently available evidence indicates that the variant is pathogenic, but additional data are needed to prove that conclusively. Therefore, this variant has been classified as Likely Pathogenic.

Literature cited by the submitters: PubMed 16199547; PubMed 24780881; PubMed 29718797.

NM_007186.6(CEP250):c.948+1G>C

Gene: CEP250 (centrosomal protein 250; plus strand). Cytogenetic location: 20q11.22.
Variant type: single nucleotide variant.
Coding change: c.948+1G>C on transcript NM_007186.6 (MANE Select); the canonical splice donor site of the intron after coding-DNA position 948, G replaced by C.
Molecular consequence: splice donor variant.
Genome position (GRCh38, 1-based): chr20:35,469,987, G>C. VCF-style: chr20-35469987-G-C. GRCh37 (hg19) VCF-style: chr20-34057812-G-C.
Other names: c.-952+1G>C (NM_001318219.1).
Identifiers: ClinVar variation 3692413 (VCV003692413.2).
Genomic context (GRCh38, chr20:35,469,987, plus strand): 5'-AAGCAAAATGAAGATTATGAAAAGATGATAAAGGCTCTGAGAGAGACAGTGGAGATCCTG[G>C]TACATGATCCTTTGCTCTGGAAAGGAGTTGGGCGTGGGCTTGTAGGTTCCTTGTGCTTTA-3'